The following is an entry in ClinVar:

ClinVar aggregate classification (germline): Conflicting classifications of pathogenicity. Review status: criteria provided, conflicting classifications (1 of 4 stars). 2 submissions from 2 submitters: Uncertain significance (1); Likely benign (1). Last evaluated 2024-05-08.

Conditions:
Dilated cardiomyopathy 1DD (CMD1DD). Identifiers: Orphanet 154, MedGen C2750995, MONDO:0013168, OMIM 613172.

Allele frequency attached by ClinVar (database versions not stated): gnomAD exomes below 0.00001 and 0.00001.
gnomAD v4.1: 2 of 1,550,030 alleles (0.00013%); highest among the groups gnomAD compares: Non-Finnish European, 0.00017%; no homozygotes.

Submissions (2):

Labcorp Genetics (formerly Invitae), Labcorp
Classification: Uncertain significance for Dilated cardiomyopathy 1DD. Last evaluated: 2024-05-08. Review status: criteria provided, single submitter. Criteria: Invitae Variant Classification Sherloc (09022015). Collection method: clinical testing. Allele origin: germline.
Comment: This sequence change replaces glutamine, which is neutral and polar, with proline, which is neutral and non-polar, at codon 856 of the RBM20 protein (p.Gln856Pro). This variant is present in population databases (no rsID available, gnomAD 0.002%). This variant has not been reported in the literature in individuals affected with RBM20-related conditions. ClinVar contains an entry for this variant (Variation ID: 567042). Advanced modeling of protein sequence and biophysical properties (such as structural, functional, and spatial information, amino acid conservation, physicochemical variation, residue mobility, and thermodynamic stability) performed at Invitae indicates that this missense variant is not expected to disrupt RBM20 protein function with a negative predictive value of 95%. In summary, the available evidence is currently insufficient to determine the role of this variant in disease. Therefore, it has been classified as a Variant of Uncertain Significance.

CeGaT Center for Human Genetics Tuebingen
Classification: Likely benign. Last evaluated: 2023-04-01. Review status: criteria provided, single submitter. Criteria: CeGaT Center For Human Genetics Tuebingen Variant Classification Criteria Version 2. Collection method: clinical testing. Allele origin: germline. Affected: yes. Observed: 1 variant allele.
Comment: RBM20: BP4

NM_001134363.3(RBM20):c.2567A>C (p.Gln856Pro)

Gene: RBM20 (RNA binding motif protein 20; plus strand). Cytogenetic location: 10q25.2.
Variant type: single nucleotide variant.
Coding change: c.2567A>C on transcript NM_001134363.3 (MANE Select); coding-DNA position 2567, A replaced by C.
Protein change: p.Gln856Pro; replaces glutamine 856 with proline.
Molecular consequence: missense variant.
Genome position (GRCh38, 1-based): chr10:110,820,088, A>C. VCF-style: chr10-110820088-A-C. GRCh37 (hg19) VCF-style: chr10-112579846-A-C.
Other names: short protein forms Q856P.
Identifiers: ClinVar variation 567042 (VCV000567042.32), dbSNP rs1442388691, ClinGen allele CA378376710.